The following is an entry in ClinVar:

ClinVar aggregate classification (germline): Uncertain significance (1 of 4 stars; one submission).

Allele frequency attached by ClinVar (database versions not stated): gnomAD exomes below 0.00001; TOPMed below 0.00001; gnomAD 0.00001; ExAC 0.00002; 1000 Genomes Project 0.00040; 1000 Genomes Project 30x 0.00062.
gnomAD v4.1: 3 of 1,614,006 alleles (0.00019%); highest among the groups gnomAD compares: African/African-American, 0.0027%; no homozygotes.

Submission:

Labcorp Genetics (formerly Invitae), Labcorp
Classification: Uncertain significance. Last evaluated: 2022-04-20. Review status: criteria provided, single submitter. Criteria: Invitae Variant Classification Sherloc (09022015). Collection method: clinical testing. Allele origin: germline.
Comment: This sequence change replaces valine, which is neutral and non-polar, with aspartic acid, which is acidic and polar, at codon 153 of the TMPRSS15 protein (p.Val153Asp). This variant is present in population databases (rs573907615, gnomAD 0.01%). This variant has not been reported in the literature in individuals affected with TMPRSS15-related conditions. Algorithms developed to predict the effect of missense changes on protein structure and function are either unavailable or do not agree on the potential impact of this missense change (SIFT: "Not Available"; PolyPhen-2: "Benign"; Align-GVGD: "Not Available"). In summary, the available evidence is currently insufficient to determine the role of this variant in disease. Therefore, it has been classified as a Variant of Uncertain Significance.

NM_002772.3(TMPRSS15):c.458T>A (p.Val153Asp)

Gene: TMPRSS15 (transmembrane serine protease 15; minus strand). Cytogenetic location: 21q21.1.
Variant type: single nucleotide variant.
Coding change: c.458T>A on transcript NM_002772.3 (MANE Select); coding-DNA position 458, T replaced by A.
Protein change: p.Val153Asp; replaces valine 153 with aspartic acid.
Molecular consequence: missense variant.
Genome position (GRCh38, 1-based): chr21:18,383,665, A>T on the plus strand (T>A on the coding strand, the complement: TMPRSS15 is on the minus strand). VCF-style: chr21-18383665-A-T. GRCh37 (hg19) VCF-style: chr21-19755982-A-T.
Other names: short protein forms V153D.
Identifiers: ClinVar variation 1978152 (VCV001978152.5), dbSNP rs573907615, ClinGen allele CA9984756.